The following is an entry in ClinVar:

ClinVar aggregate classification (germline): Uncertain significance. Review status: criteria provided, multiple submitters, no conflicts (2 of 4 stars). 2 submissions from 2 submitters: Uncertain significance (2). Last evaluated 2024-02-23.

Conditions:
Long QT syndrome (LQTS). Identifiers: MedGen C0023976, MeSH D008133, MONDO:0002442. Disease mechanism: loss of function. Inheritance: Various modes of inheritance.

Allele frequency attached by ClinVar (database versions not stated): gnomAD exomes below 0.00001.
gnomAD v4.1: 1 of 1,613,946 alleles (0.000062%); highest among the groups gnomAD compares: Non-Finnish European, 0.000085%; no homozygotes.

Submissions (2):

Labcorp Genetics (formerly Invitae), Labcorp
Classification: Uncertain significance for Long QT syndrome. Last evaluated: 2024-02-23. Review status: criteria provided, single submitter. Criteria: Invitae Variant Classification Sherloc (09022015). Collection method: clinical testing. Allele origin: germline.
Comment: This sequence change replaces phenylalanine, which is neutral and non-polar, with cysteine, which is neutral and slightly polar, at codon 335 of the KCNQ1 protein (p.Phe335Cys). This variant is not present in population databases (gnomAD no frequency). This variant has not been reported in the literature in individuals affected with KCNQ1-related conditions. ClinVar contains an entry for this variant (Variation ID: 1506528). Advanced modeling of protein sequence and biophysical properties (such as structural, functional, and spatial information, amino acid conservation, physicochemical variation, residue mobility, and thermodynamic stability) performed at Invitae indicates that this missense variant is expected to disrupt KCNQ1 protein function with a positive predictive value of 95%. In summary, the available evidence is currently insufficient to determine the role of this variant in disease. Therefore, it has been classified as a Variant of Uncertain Significance.

All of Us Research Program, National Institutes of Health
Classification: Uncertain significance for Long QT syndrome. Last evaluated: 2023-05-04. Review status: criteria provided, single submitter. Criteria: ACMG Guidelines, 2015. Collection method: clinical testing. Allele origin: germline. Inheritance: Autosomal dominant inheritance. Observed: 1 variant allele, 1 heterozygote.
Comment: This missense variant replaces phenylalanine with cysteine at codon 335 of the KCNQ1 protein. Computational prediction suggests that this variant may have deleterious impact on protein structure and function (internally defined REVEL score threshold >= 0.7, PMID: 27666373). To our knowledge, functional studies have not been reported for this variant. This variant has not been reported in individuals affected with KCNQ1-related disorders in the literature. This variant has not been identified in the general population by the Genome Aggregation Database (gnomAD). The available evidence is insufficient to determine the role of this variant in disease conclusively. Therefore, this variant is classified as a Variant of Uncertain Significance.

This study involves interpretation of variants in research participants for the purpose of population health screening. Participant phenotype was not available at the time of variant classification. Additional details can be found in publication PMID: 35346344, PMCID: PMC8962531

NM_000218.3(KCNQ1):c.1004T>G (p.Phe335Cys)

Gene: KCNQ1 (potassium voltage-gated channel subfamily Q member 1; plus strand). Cytogenetic location: 11p15.5.
Variant type: single nucleotide variant.
Coding change: c.1004T>G on transcript NM_000218.3 (MANE Select); coding-DNA position 1004, T replaced by G.
Protein change: p.Phe335Cys; replaces phenylalanine 335 with cysteine.
Molecular consequence: missense variant.
Genome position (GRCh38, 1-based): chr11:2,583,517, T>G. VCF-style: chr11-2583517-T-G. GRCh37 (hg19) VCF-style: chr11-2604747-T-G.
Other names: c.1004T>G, p.Phe335Cys (NM_001406836.1); c.734T>G, p.Phe245Cys (NM_001406837.1); c.560T>G, p.Phe187Cys (NM_001406838.1); c.623T>G, p.Phe208Cys (NM_181798.2); short protein forms F335C, F208C, F245C, F187C.
Identifiers: ClinVar variation 1506528 (VCV001506528.8), dbSNP rs2133750895, ClinGen allele CA379133092.
Genomic context (GRCh38, chr11:2,583,517, plus strand): 5'-ATGGGGACAAGGTGCCCCAGACGTGGGTCGGGAAGACCATCGCCTCCTGCTTCTCTGTCT[T>G]TGCCATCTCCTTCTTTGCGCTCCCAGCGGTAGGTGCCCCGTGGGTGCGTTTTCCCTGGCT-3'
Protein context (NP_000209.2, residues 325-345): GKTIASCFSV[Phe335Cys]AISFFALPAG